The following is an entry in ClinVar:

ClinVar aggregate classification (germline): Pathogenic (1 of 4 stars; one submission).

Conditions:
KDM6B-related neurodevelopmental disorder.

Submission:

Clinical Genomics Laboratory, Stanford Medicine
Classification: Pathogenic for KDM6B-related neurodevelopmental disorder. Last evaluated: 2022-08-01. Review status: criteria provided, single submitter. Criteria: ACMG Guidelines, 2015. Collection method: clinical testing. Allele origin: de novo. Inheritance: Autosomal dominant inheritance. Affected: yes. Observed: 1 variant allele, 1 heterozygote.
Comment: This variant was absent from large population databases, including the Genome Aggregation Database. The p.Leu602Aspfs*49 variant results in a 2 bp deletion in exon 11 of 22 exons, causing a shift in the protein reading frame and leading to a premature termination codon 49 amino acids downstream. This variant is therefore predicted to undergo nonsense-mediated decay resulting in a truncated or absent protein. Heterozygous loss of function is an established mechanism of disease for the KDM6B gene. These data were assessed using the ACMG/AMP variant interpretation guidelines. In summary, there is sufficient evidence to classify the p.Leu602Aspfs*49 variant as pathogenic for autosomal dominant KDM6B-related neurodevelopmental disorder based on the information above. [ACMG evidence codes used: PVS1; PM2; PS2_Supporting]

NM_001348716.2(KDM6B):c.1804_1805del (p.Leu602fs)

Gene: KDM6B (lysine demethylase 6B; plus strand). Cytogenetic location: 17p13.1.
Variant type: Deletion.
Coding change: c.1804_1805del on transcript NM_001348716.2 (MANE Select); coding-DNA positions 1804 to 1805, 2 bases deleted (CT; older notation c.1804_1805delCT).
Protein change: p.Leu602fs; shifts the reading frame from leucine 602.
Molecular consequence: frameshift variant.
Genome position (GRCh38, 1-based): chr17:7,848,092-7,848,093, CT deleted. VCF-style (leftmost placement, unchanged base first): chr17-7848091-CCT-C. GRCh37 (hg19) VCF-style: chr17-7751409-CCT-C.
Other names: c.1804_1805del, p.Leu602fs (NM_001080424.2); c.1804_1805delCT (NM_001080424.2); short protein forms L602fs.
Identifiers: ClinVar variation 3912075 (VCV003912075.1).